The following is an entry in ClinVar:

NM_020928.2(ZSWIM6):c.2428C>T (p.Pro810Ser)

Gene: ZSWIM6 (zinc finger SWIM-type containing 6; plus strand). Cytogenetic location: 5q12.1.
Variant type: single nucleotide variant.
Coding change: c.2428C>T on transcript NM_020928.2 (MANE Select); coding-DNA position 2428, C replaced by T.
Protein change: p.Pro810Ser; replaces proline 810 with serine.
Molecular consequence: missense variant.
Genome position (GRCh38, 1-based): chr5:61,538,860, C>T. VCF-style: chr5-61538860-C-T. GRCh37 (hg19) VCF-style: chr5-60834687-C-T.
Other names: short protein forms P810S.
Identifiers: ClinVar variation 3618854 (VCV003618854.2).

ClinVar aggregate classification (germline): Uncertain significance (1 of 4 stars; one submission).

gnomAD v4.1: 17 of 1,552,308 alleles (0.0011%); highest among the groups gnomAD compares: African/African-American, 0.0014%; no homozygotes.

Submission:

Labcorp Genetics (formerly Invitae), Labcorp
Classification: Uncertain significance. Last evaluated: 2024-10-21. Review status: criteria provided, single submitter. Criteria: Invitae Variant Classification Sherloc (09022015). Collection method: clinical testing. Allele origin: germline.
Comment: This sequence change replaces proline, which is neutral and non-polar, with serine, which is neutral and polar, at codon 810 of the ZSWIM6 protein (p.Pro810Ser). This variant is not present in population databases (gnomAD no frequency). This variant has not been reported in the literature in individuals affected with ZSWIM6-related conditions. Invitae Evidence Modeling of protein sequence and biophysical properties (such as structural, functional, and spatial information, amino acid conservation, physicochemical variation, residue mobility, and thermodynamic stability) indicates that this missense variant is not expected to disrupt ZSWIM6 protein function with a negative predictive value of 80%. In summary, the available evidence is currently insufficient to determine the role of this variant in disease. Therefore, it has been classified as a Variant of Uncertain Significance.